The following is an entry in ClinVar:

NM_000375.3(UROS):c.383A>G (p.Tyr128Cys)

Gene: UROS (uroporphyrinogen III synthase; minus strand). Cytogenetic location: 10q26.2.
Variant type: single nucleotide variant.
Coding change: c.383A>G on transcript NM_000375.3 (MANE Select); coding-DNA position 383, A replaced by G.
Protein change: p.Tyr128Cys; replaces tyrosine 128 with cysteine.
Molecular consequence: missense variant. On other transcripts: non-coding transcript variant (4).
Genome position (GRCh38, 1-based): chr10:125,807,424, T>C on the plus strand (A>G on the coding strand, the complement: UROS is on the minus strand). VCF-style: chr10-125807424-T-C. GRCh37 (hg19) VCF-style: chr10-127495993-T-C.
Other names: c.383A>G (NM_000375.2); c.383A>G, p.Tyr128Cys (NM_001324036.2, NM_001324037.2, NM_001324038.2 and 1 more transcripts); short protein forms Y128C.
Identifiers: ClinVar variation 2199337 (VCV002199337.6), dbSNP rs141122081, ClinGen allele CA5738505.

ClinVar aggregate classification (germline): Uncertain significance. Review status: criteria provided, multiple submitters, no conflicts (2 of 4 stars). 2 submissions from 2 submitters: Uncertain significance (2). Last evaluated 2025-10-13.

Conditions:
Inborn genetic diseases. Identifiers: MedGen C0950123, MeSH D030342.

Allele frequency attached by ClinVar (database versions not stated): TOPMed 0.00007; ESP Exome Variant Server 0.00008.
gnomAD v4.1: 18 of 1,613,986 alleles (0.0011%); highest among the groups gnomAD compares: African/African-American, 0.012%; no homozygotes.

Submissions (3):

Labcorp Genetics (formerly Invitae), Labcorp
Classification: Uncertain significance. Last evaluated: 2025-10-13. Review status: criteria provided, single submitter. Criteria: Invitae Variant Classification Sherloc (09022015). Collection method: clinical testing. Allele origin: germline.
Comment: This sequence change replaces tyrosine, which is neutral and polar, with cysteine, which is neutral and slightly polar, at codon 128 of the UROS protein (p.Tyr128Cys). This variant is present in population databases (rs141122081, gnomAD 0.008%). This variant has not been reported in the literature in individuals affected with UROS-related conditions. ClinVar contains an entry for this variant (Variation ID: 2199337). An algorithm developed to predict the effect of missense changes on protein structure and function outputs the following: PolyPhen-2: "Benign". The cysteine amino acid residue is found in multiple mammalian species, which suggests that this missense change does not adversely affect protein function. In summary, the available evidence is currently insufficient to determine the role of this variant in disease. Therefore, it has been classified as a Variant of Uncertain Significance.

Ambry Genetics
Classification: Uncertain significance for Inborn genetic diseases. Last evaluated: 2025-06-03. Review status: criteria provided, single submitter. Criteria: Ambry Variant Classification Scheme 2023. Collection method: clinical testing. Allele origin: germline.

Dr. Peter K. Rogan Lab, Western University
No classification provided (evidence only). Condition: Cervical cancer. Review status: no classification provided. Collection method: in vitro. Allele origin: not applicable. Functional consequence: retained intron. Not counted in ClinVar's aggregate classification.